The following is an entry in ClinVar:

NM_021956.5(GRIK2):c.1095+2T>C

Gene: GRIK2 (glutamate ionotropic receptor kainate type subunit 2; plus strand). Cytogenetic location: 6q16.3.
Variant type: single nucleotide variant.
Coding change: c.1095+2T>C on transcript NM_021956.5 (MANE Select); the canonical splice donor site of the intron after coding-DNA position 1095, T replaced by C.
Molecular consequence: splice donor variant.
Genome position (GRCh38, 1-based): chr6:101,799,793, T>C. VCF-style: chr6-101799793-T-C. GRCh37 (hg19) VCF-style: chr6-102247668-T-C.
Other names: c.1095+2T>C (NM_175768.3, NM_001166247.1).
Identifiers: ClinVar variation 4881238 (VCV004881238.2).

ClinVar aggregate classification (germline): Uncertain significance (1 of 4 stars; one submission).

Conditions:
Neurodevelopmental disorder with impaired language and ataxia and with or without seizures. Identifiers: MedGen C5562006, MONDO:0859201, OMIM 619580.

gnomAD v4.1: 1 of 1,610,804 alleles (0.000062%); highest among the groups gnomAD compares: Non-Finnish European, 0.000085%; no homozygotes.

Submission:

Dasa
Classification: Uncertain significance for neurodevelopmental disorder with impaired language and ataxia and with or without seizures. Last evaluated: 2026-01-02. Review status: criteria provided, single submitter. Criteria: DASA Assertion Criteria. Collection method: clinical testing. Allele origin: germline.
Comment: NM_021956.5(GRIK2):c.1095+2T>C affects a canonical splice site and is predicted to disrupt normal RNA splicing. This variant is rare in population databases. The currently available literature and clinical evidence are not sufficient to establish a definitive association between this variant and the reported condition. Therefore, this variant is classified as a variant of uncertain significance.